The following is an entry in ClinVar:

ClinVar aggregate classification (germline): Likely pathogenic (1 of 4 stars; one submission).

Conditions:
Congenital lactic acidosis, Saguenay-Lac-Saint-Jean type (MC4DN5). Also called: MITOCHONDRIAL COMPLEX IV DEFICIENCY, NUCLEAR TYPE 5; CYTOCHROME c OXIDASE DEFICIENCY, FRENCH CANADIAN TYPE; COX DEFICIENCY, FRENCH CANADIAN TYPE. Identifiers: Orphanet 70472, MedGen C1857355, MONDO:0009069, OMIM 220111.

Submission:

Myriad Genetics, Inc.
Classification: Likely pathogenic for Congenital lactic acidosis, Saguenay-Lac-Saint-Jean type. Last evaluated: 2022-02-05. Review status: criteria provided, single submitter. Criteria: Myriad Women's Health Autosomal Recessive and X-Linked Classification Criteria (2021). Collection method: clinical testing. Allele origin: unknown.
Comment: NM_133259.3(LRPPRC):c.532A>T(K178*) is expected to be pathogenic in the context of Leigh syndrome, French-Canadian type. This variant is predicted to lead to an abnormal or absent protein product due to the creation of a premature termination codon in LRPPRC, a gene where loss-of-function variants are known to be pathogenic. Please note: this variant was assessed in the context of healthy population screening.

NM_133259.4(LRPPRC):c.532A>T (p.Lys178Ter)

Gene: LRPPRC (leucine rich pentatricopeptide repeat containing; minus strand). Cytogenetic location: 2p21.
Variant type: single nucleotide variant.
Coding change: c.532A>T on transcript NM_133259.4 (MANE Select); coding-DNA position 532, A replaced by T.
Protein change: p.Lys178Ter; replaces lysine 178 with a stop codon.
Molecular consequence: nonsense.
Genome position (GRCh38, 1-based): chr2:43,977,214, T>A on the plus strand (A>T on the coding strand, the complement: LRPPRC is on the minus strand). VCF-style: chr2-43977214-T-A. GRCh37 (hg19) VCF-style: chr2-44204353-T-A.
Other names: short protein forms K178*.
Identifiers: ClinVar variation 1724294 (VCV001724294.2), dbSNP rs1363486576, ClinGen allele CA346675938.